The following is an entry in ClinVar:

NM_030973.4(MED25):c.1747-19_1747-18del

Gene: MED25 (mediator complex subunit 25; plus strand). Cytogenetic location: 19q13.33.
Variant type: Deletion.
Coding change: c.1747-19_1747-18del on transcript NM_030973.4 (MANE Select); 19 bases into the intron before coding-DNA position 1747 through 18 bases into the intron before coding-DNA position 1747, 2 bases deleted (CT; older notation c.1747-19_1747-18delCT).
Molecular consequence: intron variant.
Genome position (GRCh38, 1-based): chr19:49,835,708-49,835,709, CT deleted. VCF-style (leftmost placement, unchanged base first): chr19-49835707-CCT-C. GRCh37 (hg19) VCF-style: chr19-50338964-CCT-C.
Other names: c.1747-19_1747-18delCT (NM_030973.4); c.1747-19_1747-18del (NM_001378355.1).
Identifiers: ClinVar variation 916784 (VCV000916784.10), dbSNP rs752695799, ClinGen allele CA9585365.
Genomic context (GRCh38, chr19:49,835,707, plus strand): 5'-CCCCAAGGCTGCGCTCTGTGCCTGCAGAAGGGGCGTGAGGCCCTGCCCATCTCCCTCACC[CCT>C]GTGTCTCTTCCCACCAGCTCCAGCTCCGCCCACCGCAGCCCCAGCCTCAGGGTACCGTAG-3'

ClinVar aggregate classification (germline): Likely benign. Review status: criteria provided, multiple submitters, no conflicts (2 of 4 stars). 4 submissions from 4 submitters: Likely benign (4). Last evaluated 2026-04-13.

Conditions:
Charcot-Marie-Tooth disease type 2. Also called: Charcot-Marie-Tooth type 2. Identifiers: Orphanet 64746, MedGen C0270914, MONDO:0018993.
Charcot-Marie-Tooth disease. Also called: Charcot-Marie-Tooth Neuropathy; Charcot-Marie-Tooth Hereditary Neuropathy. Identifiers: Orphanet 166, MedGen C0007959, MONDO:0015626.

Allele frequency attached by ClinVar (database versions not stated): gnomAD exomes 0.00013 and 0.00014; ExAC 0.00014; gnomAD 0.00014; ESP Exome Variant Server 0.00016; TOPMed 0.00021.

Submissions (4):

Women's Health and Genetics/Laboratory Corporation of America, LabCorp
Classification: Likely benign. Last evaluated: 2026-04-13. Review status: criteria provided, single submitter. Criteria: LabCorp Variant Classification Summary - May 2015. Collection method: clinical testing. Allele origin: germline.
Comment: Variant summary: MED25 c.1747-19_1747-18delCT alters a nucleotide located at a position not widely known to affect splicing. Consensus agreement among computation tools predict no significant impact on normal splicing. However, these predictions have yet to be confirmed by functional studies. The variant allele was found at a frequency of 0.00014 in 228280 control chromosomes. This frequency is not significantly higher than estimated for disease-causing variants in MED25, allowing no conclusion about variant significance. To our knowledge, no occurrence of c.1747-19_1747-18delCT in individuals affected with MED25-related conditions and no experimental evidence demonstrating its impact on protein function have been reported. ClinVar contains an entry for this variant (Variation ID: 916784). Based on the evidence outlined above, the variant was classified as likely benign.

Labcorp Genetics (formerly Invitae), Labcorp
Classification: Likely benign for Charcot-Marie-Tooth disease type 2. Last evaluated: 2025-10-19. Review status: criteria provided, single submitter. Criteria: Invitae Variant Classification Sherloc (09022015). Collection method: clinical testing. Allele origin: germline.

Blueprint Genetics
Classification: Likely benign. Last evaluated: 2024-01-19. Review status: criteria provided, single submitter. Criteria: ACMG Guidelines, 2015. Collection method: clinical testing. Allele origin: germline.

Molecular Genetics Laboratory, London Health Sciences Centre
Classification: Likely benign for Charcot-Marie-Tooth disease. Review status: criteria provided, single submitter. Criteria: ACMG Guidelines, 2015. Collection method: clinical testing. Allele origin: germline. Affected: yes.